The following is an entry in ClinVar:

NM_001042492.3(NF1):c.6971del (p.Gln2324fs)

Gene: NF1 (neurofibromin 1; plus strand). Cytogenetic location: 17q11.2.
Variant type: Deletion.
Coding change: c.6971del on transcript NM_001042492.3 (MANE Select); coding-DNA position 6971, one base deleted (A; older notation c.6971delA).
Protein change: p.Gln2324fs; shifts the reading frame from glutamine 2324.
Molecular consequence: frameshift variant.
Genome position (GRCh38, 1-based): chr17:31,340,554, A deleted. VCF-style (leftmost placement, unchanged base first): chr17-31340553-CA-C. GRCh37 (hg19) VCF-style: chr17-29667571-CA-C.
Other names: c.6908delA, p.Gln2303Argfs (NM_000267.4); short protein forms Q2303fs, Q2324fs.
Identifiers: ClinVar variation 1703691 (VCV001703691.7), dbSNP rs2508770185, ClinGen allele CA2580093185.

ClinVar aggregate classification (germline): Pathogenic. Review status: criteria provided, multiple submitters, no conflicts (2 of 4 stars). 2 submissions from 2 submitters: Pathogenic (2). Last evaluated 2022-05-19.

Conditions:
Neurofibromatosis, type 1 (NF1). Also called: VON RECKLINGHAUSEN DISEASE; NEUROFIBROMATOSIS, TYPE I, SOMATIC; Peripheral type neurofibromatosis; Neurofibromatosis, type I. Identifiers: Orphanet 636, MedGen C0027831, MONDO:0018975, OMIM 162200. Disease mechanism: loss of function.

Submissions (2):

Institute of Medical Genetics, University of Zurich
Classification: Pathogenic for Neurofibromatosis, type 1. Last evaluated: 2022-05-19. Review status: criteria provided, single submitter. Criteria: ACMG Guidelines, 2015. Collection method: clinical testing. Allele origin: de novo. Affected: yes.

Labcorp Genetics (formerly Invitae), Labcorp
Classification: Pathogenic for Neurofibromatosis, type 1. Last evaluated: 2022-05-04. Review status: criteria provided, single submitter. Criteria: Invitae Variant Classification Sherloc (09022015). Collection method: clinical testing. Allele origin: germline.
Comment: For these reasons, this variant has been classified as Pathogenic. This sequence change creates a premature translational stop signal (p.Gln2303Argfs*22) in the NF1 gene. It is expected to result in an absent or disrupted protein product. Loss-of-function variants in NF1 are known to be pathogenic (PMID: 10712197, 23913538). This variant is not present in population databases (gnomAD no frequency). This variant has not been reported in the literature in individuals affected with NF1-related conditions.

Literature cited by the submitters: PubMed 10712197 (cited by Labcorp Genetics (formerly Invitae), Labcorp); PubMed 23913538 (cited by Labcorp Genetics (formerly Invitae), Labcorp).